The following is an entry in ClinVar:

NM_000204.5(CFI):c.799A>G (p.Lys267Glu)

Gene: CFI (complement factor I; minus strand). Cytogenetic location: 4q25.
Variant type: single nucleotide variant.
Coding change: c.799A>G on transcript NM_000204.5 (MANE Select); coding-DNA position 799, A replaced by G.
Protein change: p.Lys267Glu; replaces lysine 267 with glutamic acid.
Molecular consequence: missense variant. On other transcripts: non-coding transcript variant (3).
Genome position (GRCh38, 1-based): chr4:109,760,354, T>C on the plus strand (A>G on the coding strand, the complement: CFI is on the minus strand). VCF-style: chr4-109760354-T-C. GRCh37 (hg19) VCF-style: chr4-110681510-T-C.
Other names: c.799A>G, p.Lys267Glu (NM_001318057.2, NM_001331035.2, NM_001375278.1 and 10 more transcripts); c.190A>G, p.Lys64Glu (NM_001375284.1); short protein forms K267E, K64E.
Identifiers: ClinVar variation 4280506 (VCV004280506.2).

ClinVar aggregate classification (germline): Uncertain significance. Review status: criteria provided, multiple submitters, no conflicts (2 of 4 stars). 2 submissions from 2 submitters: Uncertain significance (2). Last evaluated 2026-04-07.

Conditions:
CFI-related disorder. Also called: CFI-related condition; CFI-related disorders. Identifiers: MedGen CN239325.

gnomAD v4.1: 6 of 1,614,020 alleles (0.00037%); highest among the groups gnomAD compares: African/African-American, 0.0067%; no homozygotes.

Submissions (2):

Women's Health and Genetics/Laboratory Corporation of America, LabCorp
Classification: Uncertain significance. Last evaluated: 2026-04-07. Review status: criteria provided, single submitter. Criteria: LabCorp Variant Classification Summary - May 2015. Collection method: clinical testing. Allele origin: germline.
Comment: Variant summary: CFI c.799A>G (p.Lys267Glu) results in a conservative amino acid change in the encoded protein sequence. Algorithms developed to predict the effect of missense changes on protein structure and function are either unavailable or do not agree on the potential impact of this missense change. The variant allele was found at a frequency of 8e-06 in 251418 control chromosomes. The available data on variant occurrences in the general population are insufficient to allow any conclusion about variant significance. c.799A>G has been observed in a setting of panel study on severe hypertension and renal microangiopathy without clinical specifications (Larsen_2018). These report(s) do not provide unequivocal conclusions about association of the variant with Factor I deficiency. To our knowledge, no experimental evidence demonstrating an impact on protein function has been reported. The following publication have been ascertained in the context of this evaluation (PMID: 29148534). ClinVar contains an entry for this variant (Variation ID: 4280508). Based on the evidence outlined above, the variant was classified as uncertain significance.

Genomenon, Inc
Classification: Uncertain significance for CFI-related disorder. Last evaluated: 2025-09-26. Review status: criteria provided, single submitter. Criteria: Genomenon Sequence Variant Interpretation Standards - Updated. Collection method: curation. Allele origin: germline. Affected: no.
Comment: CFI p.Lys267Glu (c.799A>G) is a missense variant that changes the amino acid at residue 267 from Lysine to Glutamic acid. This variant has been reported in the published literature (PMID:29148534). It is absent or not present at a significant frequency in gnomAD. In silico models agree that this variant is possibly or probably damaging. In conclusion, we classify CFI p.Lys267Glu (c.799A>G) as a variant of unknown significance.

Literature cited by the submitters: PubMed 29148534 (cited by Women's Health and Genetics/Laboratory Corporation of America, LabCorp and Genomenon, Inc).